The following is an entry in ClinVar:

NM_001330288.2(SMARCC2):c.2786A>G (p.Lys929Arg)

Gene: SMARCC2 (SWI/SNF related BAF chromatin remodeling complex subunit C2; minus strand). Cytogenetic location: 12q13.2.
Variant type: single nucleotide variant.
Coding change: c.2786A>G on transcript NM_001330288.2 (MANE Select); coding-DNA position 2786, A replaced by G.
Protein change: p.Lys929Arg; replaces lysine 929 with arginine.
Molecular consequence: missense variant.
Genome position (GRCh38, 1-based): chr12:56,168,124, T>C on the plus strand (A>G on the coding strand, the complement: SMARCC2 is on the minus strand). VCF-style: chr12-56168124-T-C. GRCh37 (hg19) VCF-style: chr12-56561908-T-C.
Other names: c.2786A>G, p.Lys929Arg (NM_001130420.3, NM_139067.4); c.2693A>G, p.Lys898Arg (NM_003075.5); short protein forms K898R, K929R.
Identifiers: ClinVar variation 5037524 (VCV005037524.1).

ClinVar aggregate classification (germline): Uncertain significance (1 of 4 stars; one submission).

Submission:

GeneDx
Classification: Uncertain significance. Last evaluated: 2026-04-21. Review status: criteria provided, single submitter. Criteria: GeneDx Variant Classification Process June 2021. Collection method: clinical testing. Allele origin: germline.
Comment: Not observed at significant frequency in large population cohorts (gnomAD); In silico analysis supports that this missense variant has a deleterious effect on protein structure/function; Has not been previously published as pathogenic or benign to our knowledge